The following is an entry in ClinVar:

NM_018272.5(DNAI7):c.1894-3_1894-2insTTTTTTTTTTTTTTTTTTTTTTTTTT

Gene: DNAI7 (dynein axonemal intermediate chain 7; minus strand). Cytogenetic location: 12p12.1.
Variant type: Insertion.
Coding change: c.1894-3_1894-2insTTTTTTTTTTTTTTTTTTTTTTTTTT on transcript NM_018272.5 (MANE Select); 3 bases into the intron before coding-DNA position 1894 through the canonical splice acceptor site of the intron before coding-DNA position 1894, TTTTTTTTTTTTTTTTTTTTTTTTTT inserted.
Molecular consequence: intron variant.
Genome position: GRCh38 VCF-style: chr12-25108825-T-TAAAAAAAAAAAAAAAAAAAAAAAAAA. GRCh37 (hg19) VCF-style: chr12-25261759-T-TAAAAAAAAAAAAAAAAAAAAAAAAAA.
Other names: c.1381-3_1381-2insTTTTTTTTTTTTTTTTTTTTTTTTTT (NM_001352067.2); c.1699-3_1699-2insTTTTTTTTTTTTTTTTTTTTTTTTTT (NM_001204101.3); c.1438-65_1438-64insTTTTTTTTTTTTTTTTTTTTTTTTTT (NM_001352068.2); c.1756-3_1756-2insTTTTTTTTTTTTTTTTTTTTTTTTTT (NM_001352061.2, NM_001319978.2, NM_001204102.3); c.1540-65_1540-64insTTTTTTTTTTTTTTTTTTTTTTTTTT (NM_001319977.2); c.1540-3_1540-2insTTTTTTTTTTTTTTTTTTTTTTTTTT (NM_001352065.2); c.1558-3_1558-2insTTTTTTTTTTTTTTTTTTTTTTTTTT (NM_001352064.2); c.1876-65_1876-64insTTTTTTTTTTTTTTTTTTTTTTTTTT (NM_001352062.2); and 4 more.
Identifiers: ClinVar variation 2642792 (VCV002642792.24), dbSNP rs60370851, ClinGen allele CA945745667.

ClinVar aggregate classification (germline): Likely benign (1 of 4 stars; one submission).

Submission:

CeGaT Center for Human Genetics Tuebingen
Classification: Likely benign. Last evaluated: 2022-11-01. Review status: criteria provided, single submitter. Criteria: CeGaT Center For Human Genetics Tuebingen Variant Classification Criteria Version 2. Collection method: clinical testing. Allele origin: germline. Affected: yes. Observed: 1 variant allele.
Comment: DNAI7: BS2